The following is an entry in ClinVar:

ClinVar aggregate classification (germline): Pathogenic. Review status: criteria provided, multiple submitters, no conflicts (2 of 4 stars). 2 submissions from 2 submitters: Pathogenic (2). Last evaluated 2025-04-28.

Conditions:
Chronic granulomatous disease. Identifiers: Orphanet 379, MedGen C0018203, MONDO:0018305.

Submissions (2):

Natera, Inc.
Classification: Pathogenic for Chronic granulomatous disease. Last evaluated: 2025-04-28. Review status: criteria provided, single submitter. Criteria: Natera Variant Classification Schema (03/2026). Collection method: clinical testing. Allele origin: germline.
Comment: The c.1151+2T>C variant in CYBB is a canonical splice donor site variant predicted to affect pre-mRNA splicing, which may result in an abnormal transcript and altered protein product. This variant is expected to result in nonsense mediated decay, truncation, or a dysfunctional protein product. This variant is rare in the general population with a frequency below the threshold expected for the associated phenotype(s). Another variant at this same site results in an alteration predicted to cause a similar molecular effect has been observed in individual(s) with the associated phenotype. Given the available evidence, this variant is classified as Pathogenic.

GeneDx
Classification: Pathogenic. Last evaluated: 2024-04-15. Review status: criteria provided, single submitter. Criteria: GeneDx Variant Classification Process June 2021. Collection method: clinical testing. Allele origin: germline.
Comment: Canonical splice site variant predicted to result in a null allele in a gene for which loss of function is a known mechanism of disease; Not observed at significant frequency in large population cohorts (gnomAD); This variant is associated with the following publications: (PMID: 37620741)

NM_000397.4(CYBB):c.1151+2T>C

Gene: CYBB (cytochrome b-245 beta chain; plus strand). Cytogenetic location: Xp11.4.
Variant type: single nucleotide variant.
Coding change: c.1151+2T>C on transcript NM_000397.4 (MANE Select); the canonical splice donor site of the intron after coding-DNA position 1151, T replaced by C.
Molecular consequence: splice donor variant.
Genome position (GRCh38, 1-based): chrX:37,804,132, T>C. VCF-style: chrX-37804132-T-C. GRCh37 (hg19) VCF-style: chrX-37663385-T-C.
Other names: c.1151+2T>C (NM_000397.3).
Identifiers: ClinVar variation 2662988 (VCV002662988.4), dbSNP rs2519208929, ClinGen allele CA412977599.
Genomic context (GRCh38, chrX:37,804,132, plus strand): 5'-CTGTTCAATGCTTGTGGCTGTGATAAGCAGGAGTTTCAAGATGCGTGGAAACTACCTAAG[T>C]GAGTAAAAAGTACATATTACCAACGTATATGAGTTCAGGAAAAATGGCACTAAATAGCTC-3'